The following is an entry in ClinVar:

NM_000407.5(GP1BB):c.240G>T (p.Ala80=)

Genes: GP1BB (glycoprotein Ib platelet subunit beta; plus strand), SEPT5-GP1BB (SEPT5-GP1BB readthrough; plus strand). Cytogenetic location: 22q11.21.
Variant type: single nucleotide variant.
Coding change: c.240G>T on transcript NM_000407.5 (MANE Select); coding-DNA position 240, G replaced by T.
Protein change: p.Ala80=; no amino-acid change (alanine 80 retained).
Molecular consequence: synonymous variant. On other transcripts: non-coding transcript variant (2).
Genome position (GRCh38, 1-based): chr22:19,724,083, G>T. VCF-style: chr22-19724083-G-T. GRCh37 (hg19) VCF-style: chr22-19711606-G-T.
Identifiers: ClinVar variation 3257454 (VCV003257454.17).

ClinVar aggregate classification (germline): Likely benign (1 of 4 stars; one submission).

Submission:

CeGaT Center for Human Genetics Tuebingen
Classification: Likely benign. Last evaluated: 2024-07-01. Review status: criteria provided, single submitter. Criteria: CeGaT Center For Human Genetics Tuebingen Variant Classification Criteria Version 2. Collection method: clinical testing. Allele origin: germline. Affected: yes. Observed: 1 variant allele.
Comment: GP1BB: PM2:Supporting, BP4, BP7